The following is an entry in ClinVar:

ClinVar aggregate classification (germline): Uncertain significance (1 of 4 stars; one submission).

gnomAD v4.1: 2 of 1,211,289 alleles (0.00017%); highest among the groups gnomAD compares: Non-Finnish European, 0.00022%; no homozygotes.

Submission:

GeneDx
Classification: Uncertain significance. Last evaluated: 2025-05-19. Review status: criteria provided, single submitter. Criteria: GeneDx Variant Classification Process June 2021. Collection method: clinical testing. Allele origin: germline. Affected: yes.
Comment: Not observed at significant frequency in large population cohorts (gnomAD); In silico analysis supports that this missense variant has a deleterious effect on protein structure/function; Has not been previously published as pathogenic or benign to our knowledge

NM_014370.4(SRPK3):c.1418G>A (p.Arg473His)

Gene: SRPK3 (SRSF protein kinase 3; plus strand). Cytogenetic location: Xq28.
Variant type: single nucleotide variant.
Coding change: c.1418G>A on transcript NM_014370.4 (MANE Select); coding-DNA position 1418, G replaced by A.
Protein change: p.Arg473His; replaces arginine 473 with histidine.
Molecular consequence: missense variant.
Genome position (GRCh38, 1-based): chrX:153,784,995, G>A. VCF-style: chrX-153784995-G-A. GRCh37 (hg19) VCF-style: chrX-153050450-G-A.
Other names: c.1415G>A, p.Arg472His (NM_001170760.2); c.1316G>A, p.Arg439His (NM_001170761.2); short protein forms R439H, R472H, R473H.
Identifiers: ClinVar variation 4531120 (VCV004531120.1).